The following is an entry in ClinVar:

ClinVar aggregate classification (germline): Uncertain significance (1 of 4 stars; one submission).

Submission:

GeneDx
Classification: Uncertain significance. Last evaluated: 2019-05-28. Review status: criteria provided, single submitter. Criteria: GeneDx Variant Classification Process June 2021. Collection method: clinical testing. Allele origin: germline. Affected: yes.
Comment: Has not been previously published as pathogenic or benign to our knowledge; Not observed in large population cohorts (Lek et al., 2016); In silico analysis, which includes splice predictors and evolutionary conservation, supports a deleterious effect

NM_001458.5(FLNC):c.1677-3del

Gene: FLNC (filamin C; plus strand). Cytogenetic location: 7q32.1.
Variant type: Deletion.
Coding change: c.1677-3del on transcript NM_001458.5 (MANE Select); 3 bases into the intron before coding-DNA position 1677, one base deleted (C; older notation c.1677-3delC).
Molecular consequence: intron variant.
Genome position (GRCh38, 1-based): chr7:128,840,831, C deleted; the last of 3 consecutive C bases (chr7:128,840,829-128,840,831); deleting any one gives the same sequence. VCF-style (leftmost placement, unchanged base first): chr7-128840828-GC-G. GRCh37 (hg19) VCF-style: chr7-128480882-GC-G.
Other names: c.1677-3del (NM_001127487.2).
Identifiers: ClinVar variation 1302138 (VCV001302138.2), dbSNP rs2128935106, ClinGen allele CA2573052815.